The following is an entry in ClinVar:

NM_002742.3(PRKD1):c.604_607dup (p.Arg203fs)

Gene: PRKD1 (protein kinase D1; minus strand). Cytogenetic location: 14q12.
Variant type: Duplication.
Coding change: c.604_607dup on transcript NM_002742.3 (MANE Select); coding-DNA positions 604 to 607, 4 bases duplicated (AGAA; older notation c.604_607dupAGAA).
Protein change: p.Arg203fs; shifts the reading frame from arginine 203.
Molecular consequence: frameshift variant.
Genome position (GRCh38, 1-based): chr14:29,663,788-29,663,791, TTCT duplicated on the plus strand (AGAA on the coding strand, the reverse complement: PRKD1 is on the minus strand). VCF-style (leftmost placement, unchanged base first): chr14-29663787-C-CTTCT. GRCh37 (hg19) VCF-style: chr14-30132993-C-CTTCT.
Other names: c.604_607dup, p.Arg203fs (NM_001330069.2); c.316_319dup, p.Arg107fs (NM_001348390.1); short protein forms R107fs, R203fs.
Identifiers: ClinVar variation 3343819 (VCV003343819.1).

ClinVar aggregate classification (germline): Uncertain significance (1 of 4 stars; one submission).

Submission:

GeneDx
Classification: Uncertain significance. Last evaluated: 2023-05-21. Review status: criteria provided, single submitter. Criteria: GeneDx Variant Classification Process June 2021. Collection method: clinical testing. Allele origin: germline. Affected: yes.
Comment: Frameshift variant predicted to result in protein truncation or nonsense mediated decay in a gene or region of a gene for which loss of function is not a well-established mechanism of disease; Not observed at significant frequency in large population cohorts (gnomAD); Has not been previously published as pathogenic or benign to our knowledge